The following is an entry in ClinVar:

NM_001211.6(BUB1B):c.21A>T (p.Glu7Asp)

Genes: BUB1B (BUB1 mitotic checkpoint serine/threonine kinase B; plus strand), LOC130056830 (ATAC-STARR-seq lymphoblastoid active region 9236; plus strand). Cytogenetic location: 15q15.1.
Variant type: single nucleotide variant.
Coding change: c.21A>T on transcript NM_001211.6 (MANE Select); coding-DNA position 21, A replaced by T.
Protein change: p.Glu7Asp; replaces glutamic acid 7 with aspartic acid.
Molecular consequence: missense variant.
Genome position (GRCh38, 1-based): chr15:40,161,241, A>T. VCF-style: chr15-40161241-A-T. GRCh37 (hg19) VCF-style: chr15-40453442-A-T.
Other names: short protein forms E7D.
Identifiers: ClinVar variation 3826071 (VCV003826071.1).

ClinVar aggregate classification (germline): Uncertain significance (1 of 4 stars; one submission).

Conditions:
Inborn genetic diseases. Identifiers: MedGen C0950123, MeSH D030342.

Submission:

Ambry Genetics
Classification: Uncertain significance for Inborn genetic diseases. Last evaluated: 2024-12-12. Review status: criteria provided, single submitter. Criteria: Ambry Variant Classification Scheme 2023. Collection method: clinical testing. Allele origin: germline.
Comment: The p.E7D variant (also known as c.21A>T), located in coding exon 1 of the BUB1B gene, results from an A to T substitution at nucleotide position 21. The glutamic acid at codon 7 is replaced by aspartic acid, an amino acid with highly similar properties. This amino acid position is conserved. In addition, this alteration is predicted to be tolerated by in silico analysis. Based on the available evidence, the clinical significance of this variant remains unclear.